The following is an entry in ClinVar:

ClinVar aggregate classification (germline): Uncertain significance. Review status: criteria provided, multiple submitters, no conflicts (2 of 4 stars). 2 submissions from 2 submitters: Uncertain significance (2). Last evaluated 2025-07-14.

gnomAD v4.1: 1 of 1,614,096 alleles (0.000062%); highest among the groups gnomAD compares: Non-Finnish European, 0.000085%; no homozygotes.

Submissions (2):

Women's Health and Genetics/Laboratory Corporation of America, LabCorp
Classification: Uncertain significance. Last evaluated: 2025-07-14. Review status: criteria provided, single submitter. Criteria: LabCorp Variant Classification Summary - May 2015. Collection method: clinical testing. Allele origin: germline.
Comment: Variant summary: MYPN c.2260A>G (p.Ile754Val) results in a conservative amino acid change in the encoded protein sequence. Algorithms developed to predict the effect of missense changes on protein structure and function all suggest that this variant is likely to be tolerated. The variant was absent in 251246 control chromosomes. The available data on variant occurrences in the general population are insufficient to allow any conclusion about variant significance. To our knowledge, no occurrence of c.2260A>G in individuals affected with MYPN-Related Myopathy and no experimental evidence demonstrating its impact on protein function have been reported. ClinVar contains an entry for this variant (Variation ID: 1305072). Based on the evidence outlined above, the variant was classified as uncertain significance.

GeneDx
Classification: Uncertain significance. Last evaluated: 2019-04-12. Review status: criteria provided, single submitter. Criteria: GeneDx Variant Classification Process June 2021. Collection method: clinical testing. Allele origin: germline. Affected: yes.
Comment: Has not been previously published as pathogenic or benign to our knowledge; Not observed in large population cohorts (Lek et al., 2016); In silico analysis, which includes protein predictors and evolutionary conservation, supports that this variant does not alter protein structure/function

NM_032578.4(MYPN):c.2260A>G (p.Ile754Val)

Gene: MYPN (myopalladin; plus strand). Cytogenetic location: 10q21.3.
Variant type: single nucleotide variant.
Coding change: c.2260A>G on transcript NM_032578.4 (MANE Select); coding-DNA position 2260, A replaced by G.
Protein change: p.Ile754Val; replaces isoleucine 754 with valine.
Molecular consequence: missense variant. On other transcripts: non-coding transcript variant (2).
Genome position (GRCh38, 1-based): chr10:68,174,352, A>G. VCF-style: chr10-68174352-A-G. GRCh37 (hg19) VCF-style: chr10-69934109-A-G.
Other names: c.2260A>G, p.Ile754Val (NM_001256267.2); c.1378A>G, p.Ile460Val (NM_001256268.2); short protein forms I460V, I754V.
Identifiers: ClinVar variation 1305072 (VCV001305072.3), dbSNP rs201245117, ClinGen allele CA376845802.